The following is an entry in ClinVar:

NM_002246.3(KCNK3):c.844A>G (p.Thr282Ala)

Gene: KCNK3 (potassium two pore domain channel subfamily K member 3; plus strand). Cytogenetic location: 2p23.3.
Variant type: single nucleotide variant.
Coding change: c.844A>G on transcript NM_002246.3 (MANE Select); coding-DNA position 844, A replaced by G.
Protein change: p.Thr282Ala; replaces threonine 282 with alanine.
Molecular consequence: missense variant.
Genome position (GRCh38, 1-based): chr2:26,728,227, A>G. VCF-style: chr2-26728227-A-G. GRCh37 (hg19) VCF-style: chr2-26951095-A-G.
Other names: short protein forms T282A.
Identifiers: ClinVar variation 575685 (VCV000575685.8), dbSNP rs779537390, ClinGen allele CA1565555.

ClinVar aggregate classification (germline): Uncertain significance. Review status: criteria provided, multiple submitters, no conflicts (2 of 4 stars). 3 submissions from 3 submitters: Uncertain significance (3). Last evaluated 2025-12-24.

Conditions:
Inborn genetic diseases. Identifiers: MedGen C0950123, MeSH D030342.
Pulmonary hypertension, primary, 4. Identifiers: OMIM 615344, Orphanet 422, MedGen C3809198, MONDO:0014136.

Allele frequency attached by ClinVar (database versions not stated): gnomAD exomes below 0.00001 and 0.00003; TOPMed below 0.00001; gnomAD 0.00001 and 0.00003; ExAC 0.00004.
gnomAD v4.1: 7 of 1,568,546 alleles (0.00045%); highest among the groups gnomAD compares: East Asian, 0.014%; no homozygotes.

Submissions (3):

Labcorp Genetics (formerly Invitae), Labcorp
Classification: Uncertain significance for Pulmonary hypertension, primary, 4. Last evaluated: 2025-12-24. Review status: criteria provided, single submitter. Criteria: Invitae Variant Classification Sherloc (09022015). Collection method: clinical testing. Allele origin: germline.
Comment: This sequence change replaces threonine, which is neutral and polar, with alanine, which is neutral and non-polar, at codon 282 of the KCNK3 protein (p.Thr282Ala). This variant is present in population databases (rs779537390, gnomAD 0.04%). This variant has not been reported in the literature in individuals affected with KCNK3-related conditions. ClinVar contains an entry for this variant (Variation ID: 575685). Invitae Evidence Modeling of protein sequence and biophysical properties (such as structural, functional, and spatial information, amino acid conservation, physicochemical variation, residue mobility, and thermodynamic stability) indicates that this missense variant is not expected to disrupt KCNK3 protein function with a negative predictive value of 80%. In summary, the available evidence is currently insufficient to determine the role of this variant in disease. Therefore, it has been classified as a Variant of Uncertain Significance.

Fulgent Genetics
Classification: Uncertain significance for Pulmonary hypertension, primary, 4. Last evaluated: 2021-11-03. Review status: criteria provided, single submitter. Criteria: ACMG Guidelines, 2015. Collection method: clinical testing. Allele origin: unknown.

Ambry Genetics
Classification: Uncertain significance for Inborn genetic diseases. Last evaluated: 2021-08-02. Review status: criteria provided, single submitter. Criteria: Ambry Variant Classification Scheme 2023. Collection method: clinical testing. Allele origin: germline.